The following is an entry in ClinVar:

ClinVar aggregate classification (germline): Uncertain significance (1 of 4 stars; one submission).

Conditions:
Hereditary cancer-predisposing syndrome. Also called: Neoplastic Syndromes, Hereditary; Tumor predisposition; Hereditary neoplastic syndrome; Hereditary Cancer Syndrome. Identifiers: Orphanet 140162, MedGen C0027672, MeSH D009386, MONDO:0015356.

gnomAD v4.1: 1 of 1,613,724 alleles (0.000062%); highest among the groups gnomAD compares: Non-Finnish European, 0.000085%; no homozygotes.

Submission:

Ambry Genetics
Classification: Uncertain significance for Hereditary cancer-predisposing syndrome. Last evaluated: 2026-07-07. Review status: criteria provided, single submitter. Criteria: Ambry Variant Classification Scheme 2023. Collection method: clinical testing. Allele origin: germline.
Comment: The p.V779L variant (also known as c.2335G>T), located in coding exon 9 of the MET gene, results from a G to T substitution at nucleotide position 2335. The valine at codon 779 is replaced by leucine, an amino acid with highly similar properties. This amino acid position is conserved. In addition, this alteration is predicted to be tolerated by in silico analysis. Based on the available evidence, the clinical significance of this variant remains unclear.

NM_000245.4(MET):c.2335G>T (p.Val779Leu)

Gene: MET (MET proto-oncogene, receptor tyrosine kinase; plus strand). Cytogenetic location: 7q31.2.
Variant type: single nucleotide variant.
Coding change: c.2335G>T on transcript NM_000245.4 (MANE Select); coding-DNA position 2335, G replaced by T.
Protein change: p.Val779Leu; replaces valine 779 with leucine.
Molecular consequence: missense variant.
Genome position (GRCh38, 1-based): chr7:116,759,461, G>T. VCF-style: chr7-116759461-G-T. GRCh37 (hg19) VCF-style: chr7-116399515-G-T.
Other names: c.2389G>T, p.Val797Leu (NM_001127500.3); c.2335G>T, p.Val779Leu (NM_001324401.3); c.1045G>T, p.Val349Leu (NM_001324402.2); short protein forms V797L, V349L, V779L.
Identifiers: ClinVar variation 5024373 (VCV005024373.1).